The following is an entry in ClinVar:

ClinVar aggregate classification (germline): Likely pathogenic. Review status: criteria provided, multiple submitters, no conflicts (2 of 4 stars). 2 submissions from 2 submitters: Likely pathogenic (2). Last evaluated 2024-09-03.

Conditions:
Inborn genetic diseases. Identifiers: MedGen C0950123, MeSH D030342.
AARS2-related disorder. Also called: AARS2-related condition; AARS2-related disorders. Identifiers: MedGen CN381518, MONDO:1060240.

Allele frequency attached by ClinVar (database versions not stated): gnomAD exomes below 0.00001.

Submissions (2):

Blueprint Genetics
Classification: Likely pathogenic for AARS2-related disorders. Last evaluated: 2024-09-03. Review status: criteria provided, single submitter. Criteria: ACMG Guidelines, 2015. Collection method: clinical testing. Allele origin: germline. Affected: yes. Observed: 2 variant alleles.

Ambry Genetics
Classification: Likely pathogenic for Inborn genetic diseases. Last evaluated: 2022-11-09. Review status: criteria provided, single submitter. Criteria: Ambry Variant Classification Scheme 2023. Collection method: clinical testing. Allele origin: germline.
Comment: The c.2T>C (p.M1?) alteration is located in coding exon 1 of the AARS2 gene and results from a T to C substitution at nucleotide position 1. This alters the methionine residue at the initiation codon (ATG). Sequence variations that modify the initiation codon are expected to result in either loss of translation initiation, N-terminal truncation, or cause a shift in the mRNA reading frame._x000D_ _x000D_ Based on the available evidence, the AARS2 c.2T>C (p.M1?) alteration is classified as likely pathogenic for autosomal recessive mitochondrial alanyl-tRNA synthetase deficiency; however, its clinical significance for autosomal recessive AARS2-related combined oxidative phosphorylation deficiency is unclear. Based on the available evidence, this alteration is classified as likely pathogenic.

NM_020745.4(AARS2):c.2T>C (p.Met1Thr)

Gene: AARS2 (alanyl-tRNA synthetase 2, mitochondrial; minus strand). Cytogenetic location: 6p21.1.
Variant type: single nucleotide variant.
Coding change: c.2T>C on transcript NM_020745.4 (MANE Select); coding-DNA position 2, T replaced by C.
Protein change: p.Met1Thr; changes the start codon (methionine 1).
Molecular consequence: missense variant, initiator codon variant.
Genome position (GRCh38, 1-based): chr6:44,313,322, A>G on the plus strand (T>C on the coding strand, the complement: AARS2 is on the minus strand). VCF-style: chr6-44313322-A-G. GRCh37 (hg19) VCF-style: chr6-44281059-A-G.
Other names: short protein forms M1T.
Identifiers: ClinVar variation 2314481 (VCV002314481.4), dbSNP rs2153358198, ClinGen allele CA364342353.